The following is an entry in ClinVar:

ClinVar aggregate classification (germline): Uncertain significance (1 of 4 stars; one submission).

Conditions:
Hypertrophic cardiomyopathy 26. Also called: Cardiomyopathy, familial hypertrophic, 26. Identifiers: Orphanet 75249, MedGen C4310749, MONDO:0014883, OMIM 617047.

Submission:

3billion
Classification: Uncertain significance for Hypertrophic cardiomyopathy 26. Last evaluated: 2025-05-02. Review status: criteria provided, single submitter. Criteria: ACMG Guidelines, 2015. Collection method: clinical testing. Allele origin: germline. Affected: yes.
Comment: The variant is not observed in the gnomAD v4.1.0 dataset. Predicted Consequence/Location: Missense variant. The majority of the known disease-causing variants of this gene are variants expected to result in premature termination of the protein. In silico tool predictions suggest damaging effect of the variant on gene or gene product [REVEL: 0.95 (>=0.6, sensitivity 0.68 and specificity 0.92)]. Different missense changes at the same codon have been reported as of uncertain significance (ClinVar ID: VCV002949322). Therefore, this variant is classified as VUS according to the recommendation of ACMG/AMP guideline.

NM_001458.5(FLNC):c.7552G>C (p.Gly2518Arg)

Genes: FLNC (filamin C; plus strand), FLNC-AS1 (FLNC antisense RNA 1; minus strand). Cytogenetic location: 7q32.1.
Variant type: single nucleotide variant.
Coding change: c.7552G>C on transcript NM_001458.5 (MANE Select); coding-DNA position 7552, G replaced by C.
Protein change: p.Gly2518Arg; replaces glycine 2518 with arginine.
Molecular consequence: missense variant.
Genome position (GRCh38, 1-based): chr7:128,856,912, G>C. VCF-style: chr7-128856912-G-C. GRCh37 (hg19) VCF-style: chr7-128496966-G-C.
Other names: c.7453G>C, p.Gly2485Arg (NM_001127487.2); short protein forms G2485R, G2518R.
Identifiers: ClinVar variation 4855018 (VCV004855018.1).